The following is an entry in ClinVar:

ClinVar aggregate classification (germline): Uncertain significance (1 of 4 stars; one submission).

Conditions:
Idiopathic generalized epilepsy. Also called: EIG; Generalised epilepsy. Identifiers: MedGen C0270850, MONDO:0005579, OMIM 600669.

gnomAD v4.1: 1 of 1,567,206 alleles (0.000064%); no homozygotes.

Submission:

Labcorp Genetics (formerly Invitae), Labcorp
Classification: Uncertain significance for Idiopathic generalized epilepsy. Last evaluated: 2023-12-11. Review status: criteria provided, single submitter. Criteria: Invitae Variant Classification Sherloc (09022015). Collection method: clinical testing. Allele origin: germline.
Comment: This sequence change replaces proline, which is neutral and non-polar, with leucine, which is neutral and non-polar, at codon 436 of the GABRD protein (p.Pro436Leu). This variant is present in population databases (no rsID available, gnomAD no frequency). This variant has not been reported in the literature in individuals affected with GABRD-related conditions. ClinVar contains an entry for this variant (Variation ID: 2132905). An algorithm developed to predict the effect of missense changes on protein structure and function (PolyPhen-2) suggests that this variant is likely to be disruptive. In summary, the available evidence is currently insufficient to determine the role of this variant in disease. Therefore, it has been classified as a Variant of Uncertain Significance.

NM_000815.5(GABRD):c.1307C>T (p.Pro436Leu)

Gene: GABRD (gamma-aminobutyric acid type A receptor subunit delta; plus strand). Cytogenetic location: 1p36.33.
Variant type: single nucleotide variant.
Coding change: c.1307C>T on transcript NM_000815.5 (MANE Select); coding-DNA position 1307, C replaced by T.
Protein change: p.Pro436Leu; replaces proline 436 with leucine.
Molecular consequence: missense variant.
Genome position (GRCh38, 1-based): chr1:2,030,230, C>T. VCF-style: chr1-2030230-C-T. GRCh37 (hg19) VCF-style: chr1-1961669-C-T.
Other names: short protein forms P436L.
Identifiers: ClinVar variation 2132905 (VCV002132905.4), dbSNP rs1489037858, ClinGen allele CA337961077.
Genomic context (GRCh38, chr1:2,030,230, plus strand): 5'-GTGCCCGGCTCAGGCCCATCGACGCAGACACCATTGACATTTACGCCCGCGCTGTGTTCC[C>T]TGCGGCGTTTGCGGCCGTCAATGTCATCTACTGGGCGGCATACGCCATGTGAGCACAGGA-3'
Protein context (NP_000806.2, residues 426-446): TIDIYARAVF[Pro436Leu]AAFAAVNVIY